The following is an entry in ClinVar:

NM_000760.4(CSF3R):c.1576+2T>A

Gene: CSF3R (colony stimulating factor 3 receptor; minus strand). Cytogenetic location: 1p34.3.
Variant type: single nucleotide variant.
Coding change: c.1576+2T>A on transcript NM_000760.4 (MANE Select); the canonical splice donor site of the intron after coding-DNA position 1576, T replaced by A.
Molecular consequence: splice donor variant.
Genome position (GRCh38, 1-based): chr1:36,469,154, A>T on the plus strand (T>A on the coding strand, the complement: CSF3R is on the minus strand). VCF-style: chr1-36469154-A-T. GRCh37 (hg19) VCF-style: chr1-36934755-A-T.
Other names: c.1576+2T>A (NM_156039.3, NM_172313.3).
Identifiers: ClinVar variation 3726002 (VCV003726002.2).

ClinVar aggregate classification (germline): Likely pathogenic (1 of 4 stars; one submission).

Conditions:
Autosomal recessive severe congenital neutropenia due to CSF3R deficiency. Also called: Neutropenia, severe congenital, 7, autosomal recessive. Identifiers: Orphanet 420702, MedGen C4310764, MONDO:0014865, OMIM 617014.

Submission:

Labcorp Genetics (formerly Invitae), Labcorp
Classification: Likely pathogenic for Autosomal recessive severe congenital neutropenia due to CSF3R deficiency. Last evaluated: 2024-11-25. Review status: criteria provided, single submitter. Criteria: Invitae Variant Classification Sherloc (09022015). Collection method: clinical testing. Allele origin: germline.
Comment: This sequence change affects a donor splice site in intron 12 of the CSF3R gene. It is expected to disrupt RNA splicing. Variants that disrupt the donor or acceptor splice site typically lead to a loss of protein function (PMID: 16199547), and loss-of-function variants in CSF3R are known to be pathogenic (PMID: 24753537, 26324699). This variant is not present in population databases (gnomAD no frequency). This variant has not been reported in the literature in individuals affected with CSF3R-related conditions. Algorithms developed to predict the effect of sequence changes on RNA splicing suggest that this variant may disrupt the consensus splice site. In summary, the currently available evidence indicates that the variant is pathogenic, but additional data are needed to prove that conclusively. Therefore, this variant has been classified as Likely Pathogenic.

Literature cited by the submitters: PubMed 16199547; PubMed 24753537; PubMed 26324699.